The following is an entry in ClinVar:

NM_015311.3(OBSL1):c.4757del (p.His1586fs)

Gene: OBSL1 (obscurin like cytoskeletal adaptor 1; minus strand). Cytogenetic location: 2q35.
Variant type: Deletion.
Coding change: c.4757del on transcript NM_015311.3 (MANE Select); coding-DNA position 4757, one base deleted (A; older notation c.4757delA).
Protein change: p.His1586fs; shifts the reading frame from histidine 1586.
Molecular consequence: frameshift variant.
Genome position (GRCh38, 1-based): chr2:219,554,593, T deleted on the plus strand (A on the coding strand, the reverse complement: OBSL1 is on the minus strand). VCF-style (leftmost placement, unchanged base first): chr2-219554592-GT-G. GRCh37 (hg19) VCF-style: chr2-220419314-GT-G.
Other names: short protein forms H1586fs.
Identifiers: ClinVar variation 1705067 (VCV001705067.1), dbSNP rs1268774106, ClinGen allele CA764986053.
Genomic context (GRCh38, chr2:219,554,592, plus strand): 5'-TGAGTCGGCCAGGCCCAGGCCATTGAGTACCAGTCGGTGACGGTGGCCGTCCGAGTGGAT[GT>G]GACACTTGGGTCCTGGATACAGCTGTACTCCACCCCGGGCCCACTCCCCGGTCACACCTT-3'

ClinVar aggregate classification (germline): Uncertain significance (1 of 4 stars; one submission).

Allele frequency attached by ClinVar (database versions not stated): TOPMed 0.00001.

Submission:

Women's Health and Genetics/Laboratory Corporation of America, LabCorp
Classification: Uncertain significance. Last evaluated: 2022-08-01. Review status: criteria provided, single submitter. Criteria: LabCorp Variant Classification Summary - May 2015. Collection method: clinical testing. Allele origin: germline.
Comment: Variant summary: OBSL1 c.4757delA (p.His1586ProfsX39) results in a premature termination codon, predicted to cause a truncation of the encoded protein or absence of the protein due to nonsense mediated decay. Although truncations upstream of this variant within the first six exons of the OBSL1 protein have been reported in individuals affected with Three M Syndrome 2 (e.g. Hanson_2009), the consequences of truncating variants in other regions of the protein, such as this one in exon 15, are not clear. The variant was absent in 247722 control chromosomes (gnomAD). To the best of our knowledge, no occurrence of c.4757delA or truncations downstream of the variant have been reported in the literature in individuals affected with Three M Syndrome 2 and no experimental studies have evaluated its impact on protein function. No clinical diagnostic laboratories have submitted clinical-significance assessments for this variant to ClinVar after 2014. Based on the evidence outlined above, the variant was classified as uncertain significance.

Literature cited by the submitters: PubMed 19481195.